The following is an entry in ClinVar:

NM_002432.3(MNDA):c.602A>T (p.Asp201Val)

Gene: MNDA (myeloid cell nuclear differentiation antigen; plus strand). Cytogenetic location: 1q23.1.
Variant type: single nucleotide variant.
Coding change: c.602A>T on transcript NM_002432.3 (MANE Select); coding-DNA position 602, A replaced by T.
Protein change: p.Asp201Val; replaces aspartic acid 201 with valine.
Molecular consequence: missense variant.
Genome position (GRCh38, 1-based): chr1:158,845,618, A>T. VCF-style: chr1-158845618-A-T. GRCh37 (hg19) VCF-style: chr1-158815408-A-T.
Other names: short protein forms D201V.
Identifiers: ClinVar variation 3295438 (VCV003295438.1).

ClinVar aggregate classification (germline): Uncertain significance (1 of 4 stars; one submission).

Submission:

Ambry Genetics
Classification: Uncertain significance. Last evaluated: 2024-04-16. Review status: criteria provided, single submitter. Criteria: Ambry Variant Classification Scheme 2023. Collection method: clinical testing. Allele origin: germline.
Comment: The p.D201V variant (also known as c.602A>T), located in coding exon 4 of the MNDA gene, results from an A to T substitution at nucleotide position 602. The aspartic acid at codon 201 is replaced by valine, an amino acid with highly dissimilar properties. This amino acid position is conserved. In addition, this alteration is predicted to be tolerated by in silico analysis. Based on the available evidence, the clinical significance of this variant remains unclear.